The following is an entry in ClinVar:

NM_000518.4(HBB):c.422C>T (p.Ala141Val)

Genes: HBB (hemoglobin subunit beta; minus strand), LOC107133510 (origin of replication at HBB; plus strand), LOC110006319 (beta-globin gene 3' regulatory region; plus strand). Cytogenetic location: 11p15.4.
Variant type: single nucleotide variant.
Coding change: c.422C>T on transcript NM_000518.4; coding-DNA position 422, C replaced by T.
Protein change: p.Ala141Val; replaces alanine 141 with valine.
Molecular consequence: missense variant (on NM_000518.5).
Genome position (GRCh38, 1-based): chr11:5,225,620, G>A on the plus strand (C>T on the coding strand, the complement: HBB is on the minus strand). VCF-style: chr11-5225620-G-A. GRCh37 (hg19) VCF-style: chr11-5246850-G-A.
Other names: A140V; c.422C>T, p.Ala141Val (NM_000518.5); short protein forms A141V.
Identifiers: ClinVar variation 15545 (VCV000015545.3), dbSNP rs33927093, ClinGen allele CA125422.
Genomic context (GRCh38, chr11:5,225,620, plus strand): 5'-GGAACCTTTAATAGAAATTGGACAGCAAGAAAGCGAGCTTAGTGATACTTGTGGGCCAGG[G>A]CATTAGCCACACCAGCCACCACTTTCTGATAGGCAGCCTGCACTGGTGGGGTGAATTCTT-3'
Protein context (NP_000509.1, residues 131-147): YQKVVAGVAN[Ala141Val]LAHKYH

ClinVar aggregate classification (germline): Pathogenic. Review status: criteria provided, single submitter (1 of 4 stars). 2 submissions from 2 submitters: Pathogenic (1). 1 of the submissions does not count toward it. Last evaluated 2023-05-26.

Conditions:
Hemoglobinopathy. Also called: Hemoglobin disorder; Haemoglobinopathies. Identifiers: MedGen C0019045, MONDO:0044348.
HEMOGLOBIN PUTTELANGE.

Submissions (2):

Women's Health and Genetics/Laboratory Corporation of America, LabCorp
Classification: Pathogenic for Hemoglobinopathy. Last evaluated: 2023-05-26. Review status: criteria provided, single submitter. Criteria: LabCorp Variant Classification Summary - May 2015. Collection method: clinical testing. Allele origin: germline.
Comment: Variant summary: HBB c.422C>T (p.Ala141Val), also known as Hb Puttelange, results in a non-conservative amino acid change located in the Globin domain (IPR000971) of the encoded protein sequence. Four of five in-silico tools predict a damaging effect of the variant on protein function. The variant was absent in 251376 control chromosomes (gnomAD). c.422C>T has been reported in the literature in multiple individuals affected with autosomal dominant erythrocytosis/polycythemia, including two de novo occurrences in siblings, in which the variant was suspected of occurring in the paternal germline (e.g., Wajcman_1995, Oliveira_2018). These data indicate that the variant is very likely to be associated with disease. One publication reports experimental evidence evaluating an impact on protein function, suggesting that the variant leads to increased oxygen affinity and reduced stability (e.g., Wajcman_1995). To our knowledge, this variant has not been reported in any individuals affected with autosomal recessive HBB-related disorders. The following publications have been ascertained in the context of this evaluation (PMID: 29790589, 15921161). One ClinVar submitter (evaluation after 2014) has cited the variant, but classified the variant as "other". Based on the evidence outlined above, the variant was classified as pathogenic.

OMIM
Classification: other for HEMOGLOBIN PUTTELANGE. Last evaluated: 2017-12-12. Review status: no assertion criteria provided. Collection method: literature only. Allele origin: germline. Not counted in ClinVar's aggregate classification.

Literature cited by the submitters: PubMed 29790589 (cited by Women's Health and Genetics/Laboratory Corporation of America, LabCorp); PubMed 15921161 (cited by Women's Health and Genetics/Laboratory Corporation of America, LabCorp); PubMed 8522332 (cited by OMIM).